The following is an entry in ClinVar:

NM_001164508.2(NEB):c.19223C>T (p.Ala6408Val)

Gene: NEB (nebulin; minus strand). Cytogenetic location: 2q23.3.
Variant type: single nucleotide variant.
Coding change: c.19223C>T on transcript NM_001164508.2 (MANE Select); coding-DNA position 19223, C replaced by T.
Protein change: p.Ala6408Val; replaces alanine 6408 with valine.
Molecular consequence: missense variant.
Genome position (GRCh38, 1-based): chr2:151,560,683, G>A on the plus strand (C>T on the coding strand, the complement: NEB is on the minus strand). VCF-style: chr2-151560683-G-A. GRCh37 (hg19) VCF-style: chr2-152417197-G-A.
Other names: c.19223C>T, p.Ala6408Val (NM_001271208.2, NM_001164507.2); c.14120C>T, p.Ala4707Val (NM_004543.5); short protein forms A4707V, A6408V.
Identifiers: ClinVar variation 2081251 (VCV002081251.4), dbSNP rs977096470, ClinGen allele CA57652948.

ClinVar aggregate classification (germline): Uncertain significance. Review status: criteria provided, multiple submitters, no conflicts (2 of 4 stars). 2 submissions from 2 submitters: Uncertain significance (2). Last evaluated 2024-09-23.

Conditions:
Inborn genetic diseases. Identifiers: MedGen C0950123, MeSH D030342.
Nemaline myopathy 2 (NEM2). Also called: Nemaline myopathy 2, autosomal recessive. Identifiers: MedGen C1850569, MONDO:0009725, OMIM 256030.

Allele frequency attached by ClinVar (database versions not stated): TOPMed 0.00001.
gnomAD v4.1: 4 of 1,611,136 alleles (0.00025%); highest among the groups gnomAD compares: East Asian, 0.0022%; no homozygotes.

Submissions (2):

Labcorp Genetics (formerly Invitae), Labcorp
Classification: Uncertain significance for Nemaline myopathy 2. Last evaluated: 2024-09-23. Review status: criteria provided, single submitter. Criteria: Invitae Variant Classification Sherloc (09022015). Collection method: clinical testing. Allele origin: germline.
Comment: This sequence change replaces alanine, which is neutral and non-polar, with valine, which is neutral and non-polar, at codon 6408 of the NEB protein (p.Ala6408Val). The frequency data for this variant in the population databases is considered unreliable, as metrics indicate poor data quality at this position in the gnomAD database. This variant has not been reported in the literature in individuals affected with NEB-related conditions. ClinVar contains an entry for this variant (Variation ID: 2081251). Experimental studies and prediction algorithms are not available or were not evaluated, and the functional significance of this variant is currently unknown. In summary, the available evidence is currently insufficient to determine the role of this variant in disease. Therefore, it has been classified as a Variant of Uncertain Significance.

Ambry Genetics
Classification: Uncertain significance for Inborn genetic diseases. Last evaluated: 2021-07-15. Review status: criteria provided, single submitter. Criteria: Ambry Variant Classification Scheme 2023. Collection method: clinical testing. Allele origin: germline.